The following is an entry in ClinVar:

ClinVar aggregate classification (germline): Pathogenic. Review status: criteria provided, multiple submitters, no conflicts (2 of 4 stars). 4 submissions from 4 submitters: Pathogenic (4). Last evaluated 2024-02-09.

Conditions:
Hereditary cancer-predisposing syndrome. Also called: Hereditary Cancer Syndrome; Neoplastic Syndromes, Hereditary; Tumor predisposition; Hereditary neoplastic syndrome. Identifiers: Orphanet 140162, MedGen C0027672, MeSH D009386, MONDO:0015356.
Familial cancer of breast. Also called: Hereditary breast cancer; BREAST CANCER, FAMILIAL; hereditary breast carcinoma. Identifiers: Orphanet 227535, MedGen C0346153, MONDO:0016419, OMIM 114480. Disease mechanism: loss of function.

Submissions (4):

Ambry Genetics
Classification: Pathogenic for Hereditary cancer-predisposing syndrome. Last evaluated: 2024-02-09. Review status: criteria provided, single submitter. Criteria: Ambry Variant Classification Scheme 2023. Collection method: clinical testing. Allele origin: germline.
Comment: The c.1021dupC pathogenic mutation, located in coding exon 4 of the BARD1 gene, results from a duplication of C at nucleotide position 1021, causing a translational frameshift with a predicted alternate stop codon (p.L341Pfs*9). This variant is considered to be rare based on population cohorts in the Genome Aggregation Database (gnomAD). This alteration is expected to result in loss of function by premature protein truncation or nonsense-mediated mRNA decay. As such, this alteration is interpreted as a disease-causing mutation.

Myriad Genetics, Inc.
Classification: Pathogenic for Familial cancer of breast. Last evaluated: 2023-05-22. Review status: criteria provided, single submitter. Criteria: Myriad Autosomal Dominant, Autosomal Recessive and X-Linked Classification Criteria (2023). Collection method: clinical testing. Allele origin: unknown.
Comment: This variant is considered pathogenic. This variant creates a frameshift predicted to result in premature protein truncation.

Labcorp Genetics (formerly Invitae), Labcorp
Classification: Pathogenic for Familial cancer of breast. Last evaluated: 2022-10-30. Review status: criteria provided, single submitter. Criteria: Invitae Variant Classification Sherloc (09022015). Collection method: clinical testing. Allele origin: germline.
Comment: This sequence change creates a premature translational stop signal (p.Leu341Profs*9) in the BARD1 gene. It is expected to result in an absent or disrupted protein product. Loss-of-function variants in BARD1 are known to be pathogenic (PMID: 20077502, 21344236). This variant is not present in population databases (gnomAD no frequency). This variant has not been reported in the literature in individuals affected with BARD1-related conditions. ClinVar contains an entry for this variant (Variation ID: 490916). For these reasons, this variant has been classified as Pathogenic.

Color Diagnostics, LLC DBA Color Health
Classification: Pathogenic for Hereditary cancer-predisposing syndrome. Last evaluated: 2015-11-02. Review status: criteria provided, single submitter. Criteria: ACMG Guidelines, 2015. Collection method: clinical testing. Allele origin: germline.

Literature cited by the submitters: PubMed 20077502 (cited by Labcorp Genetics (formerly Invitae), Labcorp); PubMed 21344236 (cited by Labcorp Genetics (formerly Invitae), Labcorp).

NM_000465.4(BARD1):c.1021dup (p.Leu341fs)

Gene: BARD1 (BRCA1 associated RING domain 1; minus strand). Cytogenetic location: 2q35.
Variant type: Duplication.
Coding change: c.1021dup on transcript NM_000465.4 (MANE Select); coding-DNA position 1021, one base duplicated (C; older notation c.1021dupC).
Protein change: p.Leu341fs; shifts the reading frame from leucine 341.
Molecular consequence: frameshift variant. On other transcripts: non-coding transcript variant (2), intron variant (3).
Genome position (GRCh38, 1-based): chr2:214,780,853, G duplicated on the plus strand (C on the coding strand, the reverse complement: BARD1 is on the minus strand). VCF-style (leftmost placement, unchanged base first): chr2-214780852-A-AG. GRCh37 (hg19) VCF-style: chr2-215645576-A-AG.
Other names: c.964dup, p.Leu322fs (NM_001282543.2); c.159-28298dup (NM_001282548.2); c.215+16208dup (NM_001282545.2); c.364+11444dup (NM_001282549.2); c.1021dupC (NM_000465.3, NM_000465.2); short protein forms L322fs, L341fs.
Identifiers: ClinVar variation 490916 (VCV000490916.9), dbSNP rs1553622300, ClinGen allele CA658683287.